The following is an entry in ClinVar:

NM_001849.4(COL6A2):c.2712G>A (p.Ala904=)

Gene: COL6A2 (collagen type VI alpha 2 chain; plus strand). Cytogenetic location: 21q22.3.
Variant type: single nucleotide variant.
Coding change: c.2712G>A on transcript NM_001849.4 (MANE Select); coding-DNA position 2712, G replaced by A.
Protein change: p.Ala904=; no amino-acid change (alanine 904 retained).
Molecular consequence: synonymous variant.
Genome position (GRCh38, 1-based): chr21:46,132,204, G>A. VCF-style: chr21-46132204-G-A. GRCh37 (hg19) VCF-style: chr21-47552118-G-A.
Other names: p.Ala904=.
Identifiers: ClinVar variation 340382 (VCV000340382.18), dbSNP rs139116075, ClinGen allele CA10072986.
Genomic context (GRCh38, chr21:46,132,204, plus strand): 5'-CCCCGGCGAGCAGCAGGTGGCCTTCCCGCTGAGCCACAACCTCACGGCCATCCACGAGGC[G>A]CTGGAGACCACACAATACCTGAACTCCTTCTCGCACGTGGGCGCAGGCGTGGTGCACGCC-3'
Protein context (NP_001840.3, residues 894-914): LSHNLTAIHE[Ala904=]LETTQYLNSF

ClinVar aggregate classification (germline): Conflicting classifications of pathogenicity. Review status: criteria provided, conflicting classifications (1 of 4 stars). 4 submissions from 4 submitters: Uncertain significance (1); Benign (1); Likely benign (2). Last evaluated 2025-03-27.

Conditions:
Collagen 6-related myopathy. Identifiers: MedGen CN117976, MONDO:0100225.
Bethlem myopathy 1A. Also called: MYOPATHY, BENIGN CONGENITAL, WITH CONTRACTURES; Bethlem myopathy 1; Bethlem Muscular Dystrophy. Identifiers: Orphanet 610, MedGen CN029274, MONDO:0024530, OMIM 158810.

Allele frequency attached by ClinVar (database versions not stated): gnomAD 0.00006; TOPMed 0.00006; gnomAD exomes 0.00016; ESP Exome Variant Server 0.00023; ExAC 0.00029.
gnomAD v4.1: 278 of 1,584,514 alleles (0.018%); highest among the groups gnomAD compares: Non-Finnish European, 0.022%; no homozygotes.

Submissions (4):

Mayo Clinic Laboratories, Mayo Clinic
Classification: Likely benign. Last evaluated: 2025-03-27. Review status: criteria provided, single submitter. Criteria: ACMG Guidelines, 2015. Collection method: clinical testing. Allele origin: germline. Observed: 1 variant allele.
Comment: BP4, BP7

Labcorp Genetics (formerly Invitae), Labcorp
Classification: Likely benign for Bethlem myopathy 1A. Last evaluated: 2024-10-06. Review status: criteria provided, single submitter. Criteria: Invitae Variant Classification Sherloc (09022015). Collection method: clinical testing. Allele origin: germline.

Eurofins Ntd Llc (ga)
Classification: Uncertain significance. Last evaluated: 2018-06-12. Review status: criteria provided, single submitter. Criteria: EGL ClinVar v180209 classification definitions. Collection method: clinical testing. Allele origin: germline. Observed: 1 variant allele, 1 heterozygote.

Illumina Laboratory Services, Illumina
Classification: Benign for Collagen VI-related myopathy. Last evaluated: 2018-01-12. Review status: criteria provided, single submitter. Criteria: ICSL Variant Classification Criteria 13 December 2019. Collection method: clinical testing. Allele origin: germline.
Comment: This variant was observed in the ICSL laboratory as part of a predisposition screen in an ostensibly healthy population. It had not been previously curated by ICSL or reported in the Human Gene Mutation Database (HGMD: prior to June 1st, 2018), and was therefore a candidate for classification through an automated scoring system. Utilizing variant allele frequency, disease prevalence and penetrance estimates, and inheritance mode, an automated score was calculated to assess if this variant is too frequent to cause the disease. Based on the score and internal cut-off values, a variant classified as benign is not then subjected to further curation. The score for this variant resulted in a classification of benign for this disease.